The following is an entry in ClinVar:

ClinVar aggregate classification (germline): Benign/Likely benign. Review status: criteria provided, multiple submitters, no conflicts (2 of 4 stars). 14 submissions from 14 submitters: Benign (5); Likely benign (5). 4 of the submissions do not count toward it. Last evaluated 2026-09-01.

Conditions:
SPTAN1-related disorder. Also called: SPTAN1-related condition; SPTAN1-related disorders.
Self-limited epilepsy with centrotemporal spikes. Also called: Childhood epilepsy with centrotemporal spikes; Rolandic epilepsy. Identifiers: Orphanet 1945, MedGen C0376532, MONDO:0007295.
Early-infantile DEE. Also called: Early infantile epileptic encephalopathy with suppression bursts; Ohtahara syndrome; Early infantile epileptic encephalopathy. Identifiers: Orphanet 1934, MedGen C0393706, MONDO:0800491.
Inborn genetic diseases. Identifiers: MedGen C0950123, MeSH D030342.
Developmental and epileptic encephalopathy, 5 (DEE5). Identifiers: Orphanet 3451, MedGen C3150731, MONDO:0013277, OMIM 613477.

Allele frequency attached by ClinVar (database versions not stated): ESP Exome Variant Server 0.00161; gnomAD 0.00178 and 0.00180; TOPMed 0.00224; gnomAD exomes 0.00292 and 0.00147; 1000 Genomes Project 0.00100; ExAC 0.00134; 1000 Genomes Project 30x 0.00141.
gnomAD v4.1: 4,558 of 1,614,138 alleles (0.28%); highest among the groups gnomAD compares: Non-Finnish European, 0.35%; 10 homozygotes.

Submissions (14):

CeGaT Center for Human Genetics Tuebingen
Classification: Likely benign. Last evaluated: 2026-09-01. Review status: criteria provided, single submitter. Criteria: CeGaT Center For Human Genetics Tuebingen Variant Classification Criteria Version 2. Collection method: clinical testing. Allele origin: germline. Affected: yes. Observed: 33 variant alleles.
Comment: SPTAN1: BS1

Ambry Genetics
Classification: Likely benign for Inborn genetic diseases. Last evaluated: 2026-08-31. Review status: criteria provided, single submitter. Criteria: Ambry Variant Classification Scheme 2023. Collection method: clinical testing. Allele origin: germline.

Labcorp Genetics (formerly Invitae), Labcorp
Classification: Benign for Early-infantile DEE. Last evaluated: 2026-02-01. Review status: criteria provided, single submitter. Criteria: Invitae Variant Classification Sherloc (09022015). Collection method: clinical testing. Allele origin: germline.

Mayo Clinic Laboratories, Mayo Clinic
Classification: Benign. Last evaluated: 2025-03-21. Review status: criteria provided, single submitter. Criteria: ACMG Guidelines, 2015. Collection method: clinical testing. Allele origin: germline. Observed: 6 variant alleles.
Comment: BS1, BS2

Blueprint Genetics
Classification: Likely benign. Last evaluated: 2024-11-12. Review status: criteria provided, single submitter. Criteria: ACMG Guidelines, 2015. Collection method: clinical testing. Allele origin: germline.

Center for Genomics, Ann and Robert H. Lurie Children's Hospital of Chicago
Classification: Likely benign for Developmental and epileptic encephalopathy, 5. Last evaluated: 2022-07-12. Review status: criteria provided, single submitter. Criteria: ACMG Guidelines, 2015. Collection method: clinical testing. Allele origin: germline.
Comment: This variant has not been reported in the literature but is present in the Genome Aggregation Database (Highest reported MAF 0.2% (331/129180) including 1 homozygote. This variant is present in ClinVar, with several labs classifying this variant as Likely Benign or Benign (Variation ID:167720). Evolutionary conservation and computational predictive tools for this variant are limited or unavailable. This variant is an intronic variant with no predicted change in the amino acid sequence but may have an unknown effect on splicing. Splice prediction tools suggest that this variant may affect splicing. However, further studies are needed to understand its impact. In summary, data on this variant suggests that this variant does not cause disease but requires further evidence. Therefore, this variant is classified as likely benign.

Genome-Nilou Lab
Classification: Benign for Developmental and epileptic encephalopathy, 5. Last evaluated: 2021-07-15. Review status: criteria provided, single submitter. Criteria: ACMG Guidelines, 2015. Collection method: clinical testing. Allele origin: germline. Affected: no.

Athena Diagnostics
Classification: Benign. Last evaluated: 2018-04-11. Review status: criteria provided, single submitter. Criteria: Athena Diagnostics Criteria. Collection method: clinical testing. Allele origin: germline.

Eurofins Ntd Llc (ga)
Classification: Likely benign. Last evaluated: 2017-08-28. Review status: criteria provided, single submitter. Criteria: EGL Classification Definitions 2015. Collection method: clinical testing. Allele origin: germline. Observed: 6 variant alleles, 6 heterozygotes.

GeneDx
Classification: Benign. Last evaluated: 2015-03-03. Review status: criteria provided, single submitter. Criteria: GeneDx Variant Classification Process June 2021. Collection method: clinical testing. Allele origin: germline. Affected: yes.

PreventionGenetics, part of Exact Sciences
Classification: Likely benign for SPTAN1-related condition. Last evaluated: 2024-01-05. Review status: no assertion criteria provided. Collection method: clinical testing. Allele origin: germline. Not counted in ClinVar's aggregate classification.
Comment: This variant is classified as likely benign based on ACMG/AMP sequence variant interpretation guidelines (Richards et al. 2015 PMID: 25741868, with internal and published modifications).

Clinical Genetics DNA and cytogenetics Diagnostics Lab, Erasmus MC, Erasmus Medical Center
Classification: Likely benign. Review status: no assertion criteria provided. Collection method: clinical testing. Allele origin: germline. Affected: yes. Study: VKGL Data-share Consensus. Not counted in ClinVar's aggregate classification.

Genome Diagnostics Laboratory, University Medical Center Utrecht
Classification: Likely benign. Review status: no assertion criteria provided. Collection method: clinical testing. Allele origin: germline. Affected: yes. Study: VKGL Data-share Consensus. Not counted in ClinVar's aggregate classification.

Bioinformatics Core, Luxembourg Center for Systems Biomedicine
Classification: Pathogenic for Self-limited epilepsy with centrotemporal spikes. Last evaluated: 2017-01-01. Review status: flagged submission. Collection method: case-control. Allele origin: germline. Affected: yes. Study: EUROEPINOMICS COGIE. Not counted in ClinVar's aggregate classification.
Comment: CAADphred>15
ClinVar note: Reason: Claim with insufficient supporting evidence

Literature cited by the submitters: PubMed 29358611 (cited by Mayo Clinic Laboratories, Mayo Clinic and Bioinformatics Core, Luxembourg Center for Systems Biomedicine).

NM_001130438.3(SPTAN1):c.3720-5T>G

Gene: SPTAN1 (spectrin alpha, non-erythrocytic 1; plus strand). Cytogenetic location: 9q34.11.
Variant type: single nucleotide variant.
Coding change: c.3720-5T>G on transcript NM_001130438.3 (MANE Select); 5 bases into the intron before coding-DNA position 3720, T replaced by G.
Molecular consequence: intron variant.
Genome position (GRCh38, 1-based): chr9:128,605,029, T>G. VCF-style: chr9-128605029-T-G. GRCh37 (hg19) VCF-style: chr9-131367308-T-G.
Other names: p.?; c.3720-5T>G (NM_001363759.2, NM_003127.4); c.3660-5T>G (NM_001363765.2, NM_001195532.2).
Identifiers: ClinVar variation 167720 (VCV000167720.55), dbSNP rs200543425, ClinGen allele CA234987.